The following is an entry in ClinVar:

NM_001271.4(CHD2):c.693-2A>T

Gene: CHD2 (chromodomain helicase DNA binding protein 2; plus strand). Cytogenetic location: 15q26.1.
Variant type: single nucleotide variant.
Coding change: c.693-2A>T on transcript NM_001271.4 (MANE Select); the canonical splice acceptor site of the intron before coding-DNA position 693, A replaced by T.
Molecular consequence: splice acceptor variant.
Genome position (GRCh38, 1-based): chr15:92,941,820, A>T. VCF-style: chr15-92941820-A-T. GRCh37 (hg19) VCF-style: chr15-93485050-A-T.
Other names: c.693-2A>T (NM_001042572.3).
Identifiers: ClinVar variation 265660 (VCV000265660.2), dbSNP rs886039708, ClinGen allele CA10588593.
Genomic context (GRCh38, chr15:92,941,820, plus strand): 5'-TGTGTGGCAGTTTAATTCTGAAGAGATCATTTCTCATTTATTCAGCATTATTCCTCTTGC[A>T]GTTACAAAGAAGATGATGACTTTGAGACTGACTCAGATGATCTCATTGAAATGACTGGAG-3'

ClinVar aggregate classification (germline): Pathogenic (1 of 4 stars; one submission).

Submission:

GeneDx
Classification: Pathogenic. Last evaluated: 2016-08-09. Review status: criteria provided, single submitter. Criteria: GeneDx Variant Classification (06012015). Collection method: clinical testing. Allele origin: germline. Affected: yes.
Comment: The c.693-2 A>T splice site variant in the CHD2 gene destroys the canonical splice acceptor site for intron 7. It is predicted to cause abnormal gene splicing, either leading to an abnormal message that is subject to nonsense-mediated mRNA decay, or to an abnormal protein product if the message is used for protein translation. It was not observed in approximately 6,500 individuals of European and African American ancestry in the NHLBI Exome Sequencing Project, indicating it is not a common benign variant in these populations.